The following is an entry in ClinVar:

NM_001267550.2(TTN):c.7364A>G (p.Asn2455Ser)

Genes: TTN (titin; minus strand), LOC126806433 (BRD4-independent group 4 enhancer GRCh37_chr2:179638309-179639508; plus strand). Cytogenetic location: 2q31.2.
Variant type: single nucleotide variant.
Coding change: c.7364A>G on transcript NM_001267550.2 (MANE Select); coding-DNA position 7364, A replaced by G.
Protein change: p.Asn2455Ser; replaces asparagine 2455 with serine.
Molecular consequence: missense variant.
Genome position (GRCh38, 1-based): chr2:178,773,692, T>C on the plus strand (A>G on the coding strand, the complement: TTN is on the minus strand). VCF-style: chr2-178773692-T-C. GRCh37 (hg19) VCF-style: chr2-179638419-T-C.
Other names: c.7364A>G, p.Asn2455Ser (NM_001256850.1, NM_133378.4, NM_133379.5); c.7226A>G, p.Asn2409Ser (NM_003319.4, NM_133432.3, NM_133437.4); short protein forms N2409S, N2455S.
Identifiers: ClinVar variation 4988159 (VCV004988159.1).

ClinVar aggregate classification (germline): Uncertain significance (1 of 4 stars; one submission).

Conditions:
TTN-related disorder. Also called: TTN-related disorders; TTN-related condition; TTN-related disease.

gnomAD v4.1: 3 of 1,613,950 alleles (0.00019%); highest among the groups gnomAD compares: Non-Finnish European, 0.00025%; no homozygotes.

Submission:

PreventionGenetics, part of Exact Sciences
Classification: Uncertain significance for TTN-related condition. Last evaluated: 2025-12-23. Review status: criteria provided, single submitter. Criteria: ACMG Guidelines, 2015. Collection method: clinical testing. Allele origin: germline.
Comment: The TTN c.7364A>G variant is predicted to result in the amino acid substitution p.Asn2455Ser. To our knowledge, this variant has not been reported in the literature or in a large population database (gnomAD), indicating this variant is rare. At this time, the clinical significance of this variant is uncertain due to the absence of conclusive functional and genetic evidence.